The following is an entry in ClinVar:

NM_139076.3(ABRAXAS1):c.1026A>C (p.Gln342His)

Gene: ABRAXAS1 (abraxas 1, BRCA1 A complex subunit; minus strand). Cytogenetic location: 4q21.23.
Variant type: single nucleotide variant.
Coding change: c.1026A>C on transcript NM_139076.3 (MANE Select); coding-DNA position 1026, A replaced by C.
Protein change: p.Gln342His; replaces glutamine 342 with histidine.
Molecular consequence: missense variant.
Genome position (GRCh38, 1-based): chr4:83,462,673, T>G on the plus strand (A>C on the coding strand, the complement: ABRAXAS1 is on the minus strand). VCF-style: chr4-83462673-T-G. GRCh37 (hg19) VCF-style: chr4-84383826-T-G.
Other names: c.699A>C, p.Gln233His (NM_001345962.2); short protein forms Q233H, Q342H.
Identifiers: ClinVar variation 3229127 (VCV003229127.1), dbSNP rs1167948292, ClinGen allele CA357255441.

ClinVar aggregate classification (germline): Uncertain significance (1 of 4 stars; one submission).

Allele frequency attached by ClinVar (database versions not stated): TOPMed below 0.00001.

Submission:

Ambry Genetics
Classification: Uncertain significance. Last evaluated: 2023-12-24. Review status: criteria provided, single submitter. Criteria: Ambry Variant Classification Scheme 2023. Collection method: clinical testing. Allele origin: germline.
Comment: The p.Q342H variant (also known as c.1026A>C), located in coding exon 9 of the FAM175A gene, results from an A to C substitution at nucleotide position 1026. The glutamine at codon 342 is replaced by histidine, an amino acid with highly similar properties. This amino acid position is conserved. In addition, this alteration is predicted to be tolerated by in silico analysis. Since supporting evidence is limited at this time, the clinical significance of this alteration remains unclear.